The following is an entry in ClinVar:

ClinVar aggregate classification (germline): Uncertain significance. Review status: criteria provided, multiple submitters, no conflicts (2 of 4 stars). 2 submissions from 2 submitters: Uncertain significance (2). Last evaluated 2025-01-24.

Conditions:
Inborn genetic diseases. Identifiers: MedGen C0950123, MeSH D030342.

Allele frequency attached by ClinVar (database versions not stated): TOPMed 0.00002; gnomAD exomes 0.00002; ExAC 0.00003; gnomAD 0.00002.
gnomAD v4.1: 31 of 1,612,468 alleles (0.0019%); highest among the groups gnomAD compares: Non-Finnish European, 0.0026%; no homozygotes.

Submissions (2):

Ambry Genetics
Classification: Uncertain significance for Inborn genetic diseases. Last evaluated: 2025-01-24. Review status: criteria provided, single submitter. Criteria: Ambry Variant Classification Scheme 2023. Collection method: clinical testing. Allele origin: germline.

Labcorp Genetics (formerly Invitae), Labcorp
Classification: Uncertain significance. Last evaluated: 2021-07-28. Review status: criteria provided, single submitter. Criteria: Invitae Variant Classification Sherloc (09022015). Collection method: clinical testing. Allele origin: germline.
Comment: This sequence change replaces tryptophan with cysteine at codon 153 of the HACD1 protein (p.Trp153Cys). The tryptophan residue is highly conserved and there is a large physicochemical difference between tryptophan and cysteine. This variant is present in population databases (rs782699505, ExAC 0.006%). This variant has not been reported in the literature in individuals affected with HACD1-related conditions. Algorithms developed to predict the effect of missense changes on protein structure and function (SIFT, PolyPhen-2, Align-GVGD) all suggest that this variant is likely to be disruptive. In summary, the available evidence is currently insufficient to determine the role of this variant in disease. Therefore, it has been classified as a Variant of Uncertain Significance.

NM_014241.4(HACD1):c.459G>T (p.Trp153Cys)

Gene: HACD1 (3-hydroxyacyl-CoA dehydratase 1; minus strand). Cytogenetic location: 10p12.33.
Variant type: single nucleotide variant.
Coding change: c.459G>T on transcript NM_014241.4 (MANE Select); coding-DNA position 459, G replaced by T.
Protein change: p.Trp153Cys; replaces tryptophan 153 with cysteine.
Molecular consequence: missense variant.
Genome position (GRCh38, 1-based): chr10:17,603,584, C>A on the plus strand (G>T on the coding strand, the complement: HACD1 is on the minus strand). VCF-style: chr10-17603584-C-A. GRCh37 (hg19) VCF-style: chr10-17645583-C-A.
Other names: c.459G>T (NM_014241.3); short protein forms W153C.
Identifiers: ClinVar variation 1500625 (VCV001500625.4), dbSNP rs782699505, ClinGen allele CA5427304.